The following is an entry in ClinVar:

NM_002693.3(POLG):c.1100C>A (p.Pro367His)

Gene: POLG (DNA polymerase gamma, catalytic subunit; minus strand). Cytogenetic location: 15q26.1.
Variant type: single nucleotide variant.
Coding change: c.1100C>A on transcript NM_002693.3 (MANE Select); coding-DNA position 1100, C replaced by A.
Protein change: p.Pro367His; replaces proline 367 with histidine.
Molecular consequence: missense variant.
Genome position (GRCh38, 1-based): chr15:89,328,755, G>T on the plus strand (C>A on the coding strand, the complement: POLG is on the minus strand). VCF-style: chr15-89328755-G-T. GRCh37 (hg19) VCF-style: chr15-89871986-G-T.
Other names: c.1100C>A, p.Pro367His (NM_001126131.2); short protein forms P367H.
Identifiers: ClinVar variation 1792285 (VCV001792285.8), dbSNP rs751761350, ClinGen allele CA393764896.

ClinVar aggregate classification (germline): Uncertain significance. Review status: criteria provided, multiple submitters, no conflicts (2 of 4 stars). 3 submissions from 3 submitters: Uncertain significance (3). Last evaluated 2026-01-26.

Conditions:
Inborn genetic diseases. Identifiers: MedGen C0950123, MeSH D030342.
Progressive sclerosing poliodystrophy (MTDPS4A). Also called: Mitochondrial DNA depletion syndrome 4A (Alpers type); Alpers-Huttenlocher Syndrome (AHS); ALPERS PROGRESSIVE INFANTILE POLIODYSTROPHY; NEURONAL DEGENERATION OF CHILDHOOD WITH LIVER DISEASE, PROGRESSIVE; Alpers Syndrome; ALPERS DIFFUSE DEGENERATION OF CEREBRAL GRAY MATTER WITH HEPATIC CIRRHOSIS. Identifiers: Orphanet 726, MedGen C0205710, MONDO:0008758, OMIM 203700.

Submissions (3):

Ambry Genetics
Classification: Uncertain significance for Inborn genetic diseases. Last evaluated: 2026-01-26. Review status: criteria provided, single submitter. Criteria: Ambry Variant Classification Scheme 2023. Collection method: clinical testing. Allele origin: germline.

Labcorp Genetics (formerly Invitae), Labcorp
Classification: Uncertain significance for Progressive sclerosing poliodystrophy. Last evaluated: 2025-12-30. Review status: criteria provided, single submitter. Criteria: Invitae Variant Classification Sherloc (09022015). Collection method: clinical testing. Allele origin: germline.
Comment: This sequence change replaces proline, which is neutral and non-polar, with histidine, which is basic and polar, at codon 367 of the POLG protein (p.Pro367His). This variant is not present in population databases (gnomAD no frequency). This variant has not been reported in the literature in individuals affected with POLG-related conditions. ClinVar contains an entry for this variant (Variation ID: 1792285). Invitae Evidence Modeling of protein sequence and biophysical properties (such as structural, functional, and spatial information, amino acid conservation, physicochemical variation, residue mobility, and thermodynamic stability) has been performed for this missense variant. However, the output from this modeling did not meet the statistical confidence thresholds required to predict the impact of this variant on POLG protein function. In summary, the available evidence is currently insufficient to determine the role of this variant in disease. Therefore, it has been classified as a Variant of Uncertain Significance.

Blueprint Genetics
Classification: Uncertain significance. Last evaluated: 2020-08-21. Review status: criteria provided, single submitter. Criteria: ACMG Guidelines, 2015. Collection method: clinical testing. Allele origin: germline.